The following is an entry in ClinVar:

NM_012186.3(FOXE3):c.562T>C (p.Tyr188His)

Genes: FOXE3 (forkhead box E3; plus strand), LINC01389 (long independently transcribed non-coding RNA 1389; minus strand). Cytogenetic location: 1p33.
Variant type: single nucleotide variant.
Coding change: c.562T>C on transcript NM_012186.3 (MANE Select); coding-DNA position 562, T replaced by C.
Protein change: p.Tyr188His; replaces tyrosine 188 with histidine.
Molecular consequence: missense variant.
Genome position (GRCh38, 1-based): chr1:47,416,877, T>C. VCF-style: chr1-47416877-T-C. GRCh37 (hg19) VCF-style: chr1-47882549-T-C.
Other names: c.562T>C (NM_012186.2); short protein forms Y188H.
Identifiers: ClinVar variation 2150467 (VCV002150467.6), dbSNP rs931817760, ClinGen allele CA22069110.

ClinVar aggregate classification (germline): Uncertain significance. Review status: criteria provided, multiple submitters, no conflicts (2 of 4 stars). 2 submissions from 2 submitters: Uncertain significance (2). Last evaluated 2026-03-02.

Conditions:
Cardiovascular phenotype. Identifiers: MedGen CN230736.
Anterior segment dysgenesis. Also called: Ocular anterior segment dysgenesis. Identifiers: Orphanet 88632, MedGen C1862839, MONDO:0019503, HP:0007700.
Congenital primary aphakia. Also called: Anterior segment dysgenesis 2, multiple subtypes; ANTERIOR SEGMENT DYSGENESIS 2. Identifiers: Orphanet 83461, MedGen C1853230, MONDO:0012456, OMIM 610256.

Allele frequency attached by ClinVar (database versions not stated): gnomAD exomes below 0.00001; gnomAD 0.00001.

Submissions (2):

Ambry Genetics
Classification: Uncertain significance for Cardiovascular phenotype. Last evaluated: 2026-03-02. Review status: criteria provided, single submitter. Criteria: Ambry Variant Classification Scheme 2023. Collection method: clinical testing. Allele origin: germline.

Labcorp Genetics (formerly Invitae), Labcorp
Classification: Uncertain significance for Anterior segment dysgenesis; Congenital primary aphakia. Last evaluated: 2022-08-21. Review status: criteria provided, single submitter. Criteria: Invitae Variant Classification Sherloc (09022015). Collection method: clinical testing. Allele origin: germline.
Comment: In summary, the available evidence is currently insufficient to determine the role of this variant in disease. Therefore, it has been classified as a Variant of Uncertain Significance. Algorithms developed to predict the effect of missense changes on protein structure and function output the following: SIFT: "Tolerated"; PolyPhen-2: "Benign"; Align-GVGD: "Class C0". The histidine amino acid residue is found in multiple mammalian species, which suggests that this missense change does not adversely affect protein function. This variant has not been reported in the literature in individuals affected with FOXE3-related conditions. This variant is not present in population databases (gnomAD no frequency). This sequence change replaces tyrosine, which is neutral and polar, with histidine, which is basic and polar, at codon 188 of the FOXE3 protein (p.Tyr188His).